The following is an entry in ClinVar:

ClinVar aggregate classification (germline): Uncertain significance. Review status: criteria provided, multiple submitters, no conflicts (2 of 4 stars). 2 submissions from 2 submitters: Uncertain significance (2). Last evaluated 2021-08-26.

Conditions:
Autoimmune lymphoproliferative syndrome type 2B. Also called: AUTOIMMUNE LYMPHOPROLIFERATIVE SYNDROME, TYPE IIB. Identifiers: Orphanet 275517, MedGen C1846545, MONDO:0011804, OMIM 607271.

Allele frequency attached by ClinVar (database versions not stated): TOPMed below 0.00001; gnomAD exomes 0.00001 and 0.00002; ExAC 0.00002.
gnomAD v4.1: 6 of 1,614,150 alleles (0.00037%); highest among the groups gnomAD compares: Admixed American, 0.01%; no homozygotes.

Submissions (2):

Labcorp Genetics (formerly Invitae), Labcorp
Classification: Uncertain significance for Autoimmune lymphoproliferative syndrome type 2B. Last evaluated: 2021-08-26. Review status: criteria provided, single submitter. Criteria: Invitae Variant Classification Sherloc (09022015). Collection method: clinical testing. Allele origin: germline.
Comment: This sequence change replaces aspartic acid with glutamic acid at codon 40 of the CASP8 protein (p.Asp40Glu). The aspartic acid residue is highly conserved and there is a small physicochemical difference between aspartic acid and glutamic acid. The frequency data for this variant in the population databases is considered unreliable, as metrics indicate poor data quality at this position in the ExAC database. This variant has not been reported in the literature in individuals affected with CASP8-related conditions. Algorithms developed to predict the effect of missense changes on protein structure and function (SIFT, PolyPhen-2, Align-GVGD) all suggest that this variant is likely to be tolerated. In summary, the available evidence is currently insufficient to determine the role of this variant in disease. Therefore, it has been classified as a Variant of Uncertain Significance.

Baylor Genetics
Classification: Uncertain significance for Autoimmune lymphoproliferative syndrome type 2B. Last evaluated: 2018-05-07. Review status: criteria provided, single submitter. Criteria: ACMG Guidelines, 2015. Collection method: clinical testing. Allele origin: paternal. Affected: yes.
Comment: This variant was determined to be of uncertain significance according to ACMG Guidelines, 2015 [PMID:25741868].

NM_001372051.1(CASP8):c.120T>G (p.Asp40Glu)

Gene: CASP8 (caspase 8; plus strand). Cytogenetic location: 2q33.1.
Variant type: single nucleotide variant.
Coding change: c.120T>G on transcript NM_001372051.1 (MANE Select); coding-DNA position 120, T replaced by G.
Protein change: p.Asp40Glu; replaces aspartic acid 40 with glutamic acid.
Molecular consequence: missense variant. On other transcripts: 5 prime UTR variant (9), non-coding transcript variant (22), intron variant (3).
Genome position (GRCh38, 1-based): chr2:201,266,606, T>G. VCF-style: chr2-201266606-T-G. GRCh37 (hg19) VCF-style: chr2-202131329-T-G.
Other names: c.120T>G, p.Asp40Glu (NM_001080124.2, NM_001228.5, NM_001400645.1 and 21 more transcripts); c.297T>G, p.Asp99Glu (NM_001080125.2, NM_001400642.1, NM_001400665.1); c.-413T>G (NM_001400671.1, NM_001400673.1, NM_001400676.1 and 4 more transcripts); c.-594T>G (NM_001400674.1); c.-492T>G (NM_001400680.1); c.-4-4910T>G (NM_001400669.1); c.-227-4910T>G (NM_001400672.1, NM_001400675.1); short protein forms D99E, D40E.
Identifiers: ClinVar variation 1032705 (VCV001032705.6), dbSNP rs759793127, ClinGen allele CA2053449.